The following is an entry in ClinVar:

NM_001903.5(CTNNA1):c.73G>T (p.Val25Phe)

Gene: CTNNA1 (catenin alpha 1; plus strand). Cytogenetic location: 5q31.2.
Variant type: single nucleotide variant.
Coding change: c.73G>T on transcript NM_001903.5 (MANE Select); coding-DNA position 73, G replaced by T.
Protein change: p.Val25Phe; replaces valine 25 with phenylalanine.
Molecular consequence: missense variant. On other transcripts: 5 prime UTR variant (2).
Genome position (GRCh38, 1-based): chr5:138,781,997, G>T. VCF-style: chr5-138781997-G-T. GRCh37 (hg19) VCF-style: chr5-138117686-G-T.
Other names: c.73G>T, p.Val25Phe (NM_001290307.3, NM_001323982.2, NM_001323983.1 and 3 more transcripts); c.-41G>T (NM_001290309.3); c.-134G>T (NM_001290310.3); short protein forms V25F.
Identifiers: ClinVar variation 3660044 (VCV003660044.2).

ClinVar aggregate classification (germline): Uncertain significance (1 of 4 stars; one submission).

Submission:

Labcorp Genetics (formerly Invitae), Labcorp
Classification: Uncertain significance. Last evaluated: 2024-07-21. Review status: criteria provided, single submitter. Criteria: Invitae Variant Classification Sherloc (09022015). Collection method: clinical testing. Allele origin: germline.
Comment: This sequence change replaces valine, which is neutral and non-polar, with phenylalanine, which is neutral and non-polar, at codon 25 of the CTNNA1 protein (p.Val25Phe). This variant is not present in population databases (gnomAD no frequency). This variant has not been reported in the literature in individuals affected with CTNNA1-related conditions. Advanced modeling of protein sequence and biophysical properties (such as structural, functional, and spatial information, amino acid conservation, physicochemical variation, residue mobility, and thermodynamic stability) performed at Invitae indicates that this missense variant is expected to disrupt CTNNA1 protein function with a positive predictive value of 80%. In summary, the available evidence is currently insufficient to determine the role of this variant in disease. Therefore, it has been classified as a Variant of Uncertain Significance.